The following is an entry in ClinVar:

ClinVar aggregate classification (germline): Uncertain significance. Review status: criteria provided, single submitter (1 of 4 stars). 2 submissions from 2 submitters: Uncertain significance (1). 1 of the submissions does not count toward it. Last evaluated 2016-07-12.

Conditions:
Glycine encephalopathy. Also called: Nonketotic hyperglycinemia; Non-ketotic hyperglycinemia. Identifiers: Orphanet 407, MedGen C0751748, MONDO:0011612, HP:0008288.

Allele frequency attached by ClinVar (database versions not stated): gnomAD exomes below 0.00001; gnomAD 0.00002; TOPMed 0.00003.

Submissions (2):

Center for Pediatric Genomic Medicine, Children's Mercy Hospital and Clinics
Classification: Uncertain significance. Last evaluated: 2016-07-12. Review status: criteria provided, single submitter. Criteria: ACMG Guidelines, 2015. Collection method: clinical testing. Allele origin: germline.
ClinVar note: Converted during submission from Uncertain Significance to Uncertain significance.

Natera, Inc.
Classification: Uncertain significance for Non-ketotic hyperglycinemia. Last evaluated: 2020-09-16. Review status: no assertion criteria provided. Collection method: clinical testing. Allele origin: germline. Not counted in ClinVar's aggregate classification.

NM_000170.3(GLDC):c.1750C>T (p.Pro584Ser)

Gene: GLDC (glycine decarboxylase; minus strand). Cytogenetic location: 9p24.1.
Variant type: single nucleotide variant.
Coding change: c.1750C>T on transcript NM_000170.3 (MANE Select); coding-DNA position 1750, C replaced by T.
Protein change: p.Pro584Ser; replaces proline 584 with serine.
Molecular consequence: missense variant.
Genome position (GRCh38, 1-based): chr9:6,587,241, G>A on the plus strand (C>T on the coding strand, the complement: GLDC is on the minus strand). VCF-style: chr9-6587241-G-A. GRCh37 (hg19) VCF-style: chr9-6587241-G-A.
Other names: short protein forms P584S.
Identifiers: ClinVar variation 376839 (VCV000376839.4), dbSNP rs1001664445, ClinGen allele CA16603183.